The following is an entry in ClinVar:

ClinVar aggregate classification (germline): Uncertain significance (1 of 4 stars; one submission).

Submission:

Labcorp Genetics (formerly Invitae), Labcorp
Classification: Uncertain significance. Last evaluated: 2024-10-02. Review status: criteria provided, single submitter. Criteria: Invitae Variant Classification Sherloc (09022015). Collection method: clinical testing. Allele origin: germline.
Comment: This sequence change falls in intron 32 of the MYH7B gene. It does not directly change the encoded amino acid sequence of the MYH7B protein. It affects a nucleotide within the consensus splice site. This variant is not present in population databases (gnomAD no frequency). This variant has not been reported in the literature in individuals affected with MYH7B-related conditions. Variants that disrupt the consensus splice site are a relatively common cause of aberrant splicing (PMID: 17576681, 9536098). Algorithms developed to predict the effect of sequence changes on RNA splicing suggest that this variant is not likely to affect RNA splicing. In summary, the available evidence is currently insufficient to determine the role of this variant in disease. Therefore, it has been classified as a Variant of Uncertain Significance.

Literature cited by the submitters: PubMed 17576681; PubMed 9536098.

NM_020884.7(MYH7B):c.3747+3G>C

Gene: MYH7B (myosin heavy chain 7B; plus strand). Cytogenetic location: 20q11.22.
Variant type: single nucleotide variant.
Coding change: c.3747+3G>C on transcript NM_020884.7 (MANE Select); 3 bases into the intron after coding-DNA position 3747, G replaced by C.
Molecular consequence: intron variant.
Genome position (GRCh38, 1-based): chr20:34,997,643, G>C. VCF-style: chr20-34997643-G-C. GRCh37 (hg19) VCF-style: chr20-33585446-G-C.
Identifiers: ClinVar variation 3722023 (VCV003722023.2).